The following is an entry in ClinVar:

NM_006946.4(SPTBN2):c.4054G>T (p.Ala1352Ser)

Gene: SPTBN2 (spectrin beta, non-erythrocytic 2; minus strand). Cytogenetic location: 11q13.2.
Variant type: single nucleotide variant.
Coding change: c.4054G>T on transcript NM_006946.4 (MANE Select); coding-DNA position 4054, G replaced by T.
Protein change: p.Ala1352Ser; replaces alanine 1352 with serine.
Molecular consequence: missense variant.
Genome position (GRCh38, 1-based): chr11:66,696,501, C>A on the plus strand (G>T on the coding strand, the complement: SPTBN2 is on the minus strand). VCF-style: chr11-66696501-C-A. GRCh37 (hg19) VCF-style: chr11-66463972-C-A.
Other names: c.4075G>T, p.Ala1359Ser (NM_001411025.1); short protein forms A1352S, A1359S.
Identifiers: ClinVar variation 3630254 (VCV003630254.2).

ClinVar aggregate classification (germline): Uncertain significance (1 of 4 stars; one submission).

gnomAD v4.1: 7 of 1,612,186 alleles (0.00043%); highest among the groups gnomAD compares: Non-Finnish European, 0.00059%; no homozygotes.

Submission:

Labcorp Genetics (formerly Invitae), Labcorp
Classification: Uncertain significance. Last evaluated: 2024-10-28. Review status: criteria provided, single submitter. Criteria: Invitae Variant Classification Sherloc (09022015). Collection method: clinical testing. Allele origin: germline.
Comment: This sequence change replaces alanine, which is neutral and non-polar, with serine, which is neutral and polar, at codon 1352 of the SPTBN2 protein (p.Ala1352Ser). This variant is not present in population databases (gnomAD no frequency). This variant has not been reported in the literature in individuals affected with SPTBN2-related conditions. Invitae Evidence Modeling of protein sequence and biophysical properties (such as structural, functional, and spatial information, amino acid conservation, physicochemical variation, residue mobility, and thermodynamic stability) indicates that this missense variant is not expected to disrupt SPTBN2 protein function with a negative predictive value of 80%. In summary, the available evidence is currently insufficient to determine the role of this variant in disease. Therefore, it has been classified as a Variant of Uncertain Significance.